The following is an entry in ClinVar:

ClinVar aggregate classification (germline): Uncertain significance (1 of 4 stars; one submission).

gnomAD v4.1: 2 of 1,614,076 alleles (0.00012%); highest among the groups gnomAD compares: Non-Finnish European, 0.00017%; no homozygotes.

Submission:

Labcorp Genetics (formerly Invitae), Labcorp
Classification: Uncertain significance. Last evaluated: 2023-08-04. Review status: criteria provided, single submitter. Criteria: Invitae Variant Classification Sherloc (09022015). Collection method: clinical testing. Allele origin: germline.
Comment: In summary, the available evidence is currently insufficient to determine the role of this variant in disease. Therefore, it has been classified as a Variant of Uncertain Significance. This variant has not been reported in the literature in individuals affected with UNC80-related conditions. An algorithm developed to predict the effect of missense changes on protein structure and function (PolyPhen-2) suggests that this variant is likely to be disruptive. ClinVar contains an entry for this variant (Variation ID: 2122833). This variant is not present in population databases (gnomAD no frequency). This sequence change replaces alanine, which is neutral and non-polar, with proline, which is neutral and non-polar, at codon 64 of the UNC80 protein (p.Ala64Pro).

NM_001371986.1(UNC80):c.190G>C (p.Ala64Pro)

Gene: UNC80 (unc-80 subunit of NALCN channel complex; plus strand). Cytogenetic location: 2q34.
Variant type: single nucleotide variant.
Coding change: c.190G>C on transcript NM_001371986.1 (MANE Select); coding-DNA position 190, G replaced by C.
Protein change: p.Ala64Pro; replaces alanine 64 with proline.
Molecular consequence: missense variant.
Genome position (GRCh38, 1-based): chr2:209,775,937, G>C. VCF-style: chr2-209775937-G-C. GRCh37 (hg19) VCF-style: chr2-210640661-G-C.
Other names: c.190G>C, p.Ala64Pro (NM_032504.2, NM_182587.4); short protein forms A64P.
Identifiers: ClinVar variation 2122833 (VCV002122833.4), dbSNP rs2076836398, ClinGen allele CA350130640.